The following is an entry in ClinVar:

ClinVar aggregate classification (germline): Uncertain significance (1 of 4 stars; one submission).

Conditions:
Kleefstra syndrome 1 (KLEFS1). Identifiers: Orphanet 261494, MedGen C0795833, MONDO:0027407, OMIM 610253.

Submission:

Labcorp Genetics (formerly Invitae), Labcorp
Classification: Uncertain significance for Kleefstra syndrome 1. Last evaluated: 2023-05-13. Review status: criteria provided, single submitter. Criteria: Invitae Variant Classification Sherloc (09022015). Collection method: clinical testing. Allele origin: germline.
Comment: In summary, the available evidence is currently insufficient to determine the role of this variant in disease. Therefore, it has been classified as a Variant of Uncertain Significance. Algorithms developed to predict the effect of missense changes on protein structure and function output the following: SIFT: "Not Available"; PolyPhen-2: "Benign"; Align-GVGD: "Not Available". The threonine amino acid residue is found in multiple mammalian species, which suggests that this missense change does not adversely affect protein function. This variant has not been reported in the literature in individuals affected with EHMT1-related conditions. This variant is not present in population databases (gnomAD no frequency). This sequence change replaces alanine, which is neutral and non-polar, with threonine, which is neutral and polar, at codon 43 of the EHMT1 protein (p.Ala43Thr).

NM_024757.5(EHMT1):c.127G>A (p.Ala43Thr)

Gene: EHMT1 (euchromatic histone lysine methyltransferase 1; plus strand). Cytogenetic location: 9q34.3.
Variant type: single nucleotide variant.
Coding change: c.127G>A on transcript NM_024757.5 (MANE Select); coding-DNA position 127, G replaced by A.
Protein change: p.Ala43Thr; replaces alanine 43 with threonine.
Molecular consequence: missense variant.
Genome position (GRCh38, 1-based): chr9:137,716,667, G>A. VCF-style: chr9-137716667-G-A. GRCh37 (hg19) VCF-style: chr9-140611119-G-A.
Other names: c.127G>A, p.Ala43Thr (NM_001145527.2, NM_001354263.2, NM_001354611.2); c.34G>A, p.Ala12Thr (NM_001354259.2, NM_001354612.2); short protein forms A43T, A12T.
Identifiers: ClinVar variation 2864101 (VCV002864101.3), dbSNP rs780901561, ClinGen allele CA375762349.
Genomic context (GRCh38, chr9:137,716,667, plus strand): 5'-CTCGTTTCTTTGTTGGCAGAGACACCTATGGCTGCCGATGAAGGCTCAGCAGAGAAACAG[G>A]CAGGAGAGGCCCACATGGCTGCGGACGGTGAGACCAATGGGTCTTGTGAAAACAGCGATG-3'
Protein context (NP_079033.4, residues 33-53): AADEGSAEKQ[Ala43Thr]GEAHMAADGE